The following is an entry in ClinVar:

NM_138477.4(CDAN1):c.1274C>T (p.Pro425Leu)

Gene: CDAN1 (codanin 1; minus strand). Cytogenetic location: 15q15.2.
Variant type: single nucleotide variant.
Coding change: c.1274C>T on transcript NM_138477.4 (MANE Select); coding-DNA position 1274, C replaced by T.
Protein change: p.Pro425Leu; replaces proline 425 with leucine.
Molecular consequence: missense variant.
Genome position (GRCh38, 1-based): chr15:42,734,031, G>A on the plus strand (C>T on the coding strand, the complement: CDAN1 is on the minus strand). VCF-style: chr15-42734031-G-A. GRCh37 (hg19) VCF-style: chr15-43026229-G-A.
Other names: short protein forms P425L.
Identifiers: ClinVar variation 4770688 (VCV004770688.1).

ClinVar aggregate classification (germline): Uncertain significance (1 of 4 stars; one submission).

gnomAD v4.1: 1 of 1,613,670 alleles (0.000062%); no homozygotes.

Submission:

Labcorp Genetics (formerly Invitae), Labcorp
Classification: Uncertain significance. Last evaluated: 2025-09-07. Review status: criteria provided, single submitter. Criteria: Invitae Variant Classification Sherloc (09022015). Collection method: clinical testing. Allele origin: germline.
Comment: This sequence change replaces proline, which is neutral and non-polar, with leucine, which is neutral and non-polar, at codon 425 of the CDAN1 protein (p.Pro425Leu). This variant is not present in population databases (gnomAD no frequency). This variant has not been reported in the literature in individuals affected with CDAN1-related conditions. An algorithm developed to predict the effect of missense changes on protein structure and function outputs the following: PolyPhen-2: "Benign". The leucine amino acid residue is found in multiple mammalian species, which suggests that this missense change does not adversely affect protein function. In summary, the available evidence is currently insufficient to determine the role of this variant in disease. Therefore, it has been classified as a Variant of Uncertain Significance.